The following is an entry in ClinVar:

ClinVar aggregate classification (germline): Likely pathogenic (1 of 4 stars; one submission).

Conditions:
Pontocerebellar hypoplasia, type 11. Identifiers: Orphanet 611247, MedGen C4540164, MONDO:0054669, OMIM 617695.

Submission:

Juno Genomics, Hangzhou Juno Genomics, Inc
Classification: Likely pathogenic for Pontocerebellar hypoplasia, type 11. Review status: criteria provided, single submitter. Criteria: ACMG Guidelines, 2015. Collection method: clinical testing. Allele origin: germline.
Comment: Null variant in a gene where loss of function (LOF) is a known mechanism of disease.;Absent from controls (or at extremely low frequency if recessive) in Genome Aggregation Database.

NM_001199198.3(TBC1D23):c.1897_1898del (p.Gln633fs)

Gene: TBC1D23 (TBC1 domain family member 23; plus strand). Cytogenetic location: 3q12.2.
Variant type: Deletion.
Coding change: c.1897_1898del on transcript NM_001199198.3 (MANE Select); coding-DNA positions 1897 to 1898, 2 bases deleted (CA; older notation c.1897_1898delCA).
Protein change: p.Gln633fs; shifts the reading frame from glutamine 633.
Molecular consequence: frameshift variant.
Genome position (GRCh38, 1-based): chr3:100,320,850-100,320,851, CA deleted; deleting any 2 consecutive bases within chr3:100,320,849-100,320,851 gives the same sequence; the c. name uses the placement nearest the transcript's 3' end. VCF-style (leftmost placement, unchanged base first): chr3-100320848-TAC-T. GRCh37 (hg19) VCF-style: chr3-100039692-TAC-T.
Other names: c.1852_1853del, p.Gln618fs (NM_018309.5); short protein forms Q618fs, Q633fs.
Identifiers: ClinVar variation 5006511 (VCV005006511.2).